The following is an entry in ClinVar:

ClinVar aggregate classification (germline): Uncertain significance (1 of 4 stars; one submission).

Submission:

Labcorp Genetics (formerly Invitae), Labcorp
Classification: Uncertain significance. Last evaluated: 2022-02-27. Review status: criteria provided, single submitter. Criteria: Invitae Variant Classification Sherloc (09022015). Collection method: clinical testing. Allele origin: germline.
Comment: In summary, the available evidence is currently insufficient to determine the role of this variant in disease. Therefore, it has been classified as a Variant of Uncertain Significance. Algorithms developed to predict the effect of missense changes on protein structure and function (SIFT, PolyPhen-2, Align-GVGD) all suggest that this variant is likely to be tolerated. This variant has not been reported in the literature in individuals affected with CACNA1D-related conditions. This variant is not present in population databases (gnomAD no frequency). This sequence change replaces methionine, which is neutral and non-polar, with valine, which is neutral and non-polar, at codon 1391 of the CACNA1D protein (p.Met1391Val).

NM_001128840.3(CACNA1D):c.4111A>G (p.Met1371Val)

Gene: CACNA1D (calcium voltage-gated channel subunit alpha1 D; plus strand). Cytogenetic location: 3p21.1.
Variant type: single nucleotide variant.
Coding change: c.4111A>G on transcript NM_001128840.3 (MANE Select); coding-DNA position 4111, A replaced by G.
Protein change: p.Met1371Val; replaces methionine 1371 with valine.
Molecular consequence: missense variant.
Genome position (GRCh38, 1-based): chr3:53,774,587, A>G. VCF-style: chr3-53774587-A-G. GRCh37 (hg19) VCF-style: chr3-53808614-A-G.
Other names: c.4171A>G, p.Met1391Val (NM_000720.4); c.4066A>G, p.Met1356Val (NM_001128839.3); short protein forms M1371V, M1391V, M1356V.
Identifiers: ClinVar variation 2103782 (VCV002103782.4), dbSNP rs2474232169, ClinGen allele CA353241081.